The following is an entry in ClinVar:

NM_000393.5(COL5A2):c.3232C>G (p.Leu1078Val)

Gene: COL5A2 (collagen type V alpha 2 chain; minus strand). Cytogenetic location: 2q32.2.
Variant type: single nucleotide variant.
Coding change: c.3232C>G on transcript NM_000393.5 (MANE Select); coding-DNA position 3232, C replaced by G.
Protein change: p.Leu1078Val; replaces leucine 1078 with valine.
Molecular consequence: missense variant.
Genome position (GRCh38, 1-based): chr2:189,045,877, G>C on the plus strand (C>G on the coding strand, the complement: COL5A2 is on the minus strand). VCF-style: chr2-189045877-G-C. GRCh37 (hg19) VCF-style: chr2-189910603-G-C.
Other names: short protein forms L1078V.
Identifiers: ClinVar variation 2757615 (VCV002757615.3), dbSNP rs1411374373, ClinGen allele CA349862699.
Genomic context (GRCh38, chr2:189,045,877, plus strand): 5'-CTGCATCTCCTGGAGCACCCACAGGGCCAGGAGTTCCAGGGGCACCCTGAGAGCCTGGCA[G>C]ACCTGCAGGCCCAGGGTCTCCACGATCACCCTAACAAGAATAACCATGATATTATTTTTT-3'
Protein context (NP_000384.2, residues 1068-1088): GDRGDPGPAG[Leu1078Val]PGSQGAPGTP

ClinVar aggregate classification (germline): Uncertain significance (1 of 4 stars; one submission).

Conditions:
Ehlers-Danlos syndrome, classic type, 1 (EDSCL1). Also called: EHLERS-DANLOS SYNDROME, GRAVIS TYPE; EHLERS-DANLOS SYNDROME, SEVERE CLASSIC TYPE; Ehlers-Danlos syndrome, type 1; Ehlers-Danlos Syndrome, Classic Type, COL5A1-Related; EDS I. Identifiers: MedGen C0268335, MONDO:0019567, OMIM 130000.

Allele frequency attached by ClinVar (database versions not stated): gnomAD exomes 0.00001.
gnomAD v4.1: 10 of 1,614,146 alleles (0.00062%); highest among the groups gnomAD compares: Non-Finnish European, 0.00085%; no homozygotes.

Submission:

Labcorp Genetics (formerly Invitae), Labcorp
Classification: Uncertain significance for Ehlers-Danlos syndrome, classic type, 1. Last evaluated: 2023-09-03. Review status: criteria provided, single submitter. Criteria: Invitae Variant Classification Sherloc (09022015). Collection method: clinical testing. Allele origin: germline.
Comment: In summary, the available evidence is currently insufficient to determine the role of this variant in disease. Therefore, it has been classified as a Variant of Uncertain Significance. Advanced modeling of protein sequence and biophysical properties (such as structural, functional, and spatial information, amino acid conservation, physicochemical variation, residue mobility, and thermodynamic stability) performed at Invitae indicates that this missense variant is not expected to disrupt COL5A2 protein function. This variant has not been reported in the literature in individuals affected with COL5A2-related conditions. This variant is not present in population databases (gnomAD no frequency). This sequence change replaces leucine, which is neutral and non-polar, with valine, which is neutral and non-polar, at codon 1078 of the COL5A2 protein (p.Leu1078Val).